The following is an entry in ClinVar:

ClinVar aggregate classification (germline): Likely benign. Review status: criteria provided, multiple submitters, no conflicts (2 of 4 stars). 2 submissions from 2 submitters: Likely benign (2). Last evaluated 2025-09-18.

Conditions:
Myofibrillar myopathy 6. Identifiers: Orphanet 199340, MedGen C2751831, MONDO:0013061, OMIM 612954.
Dilated cardiomyopathy 1HH (CMD1HH). Identifiers: Orphanet 154, MedGen C3151293, MONDO:0013479, OMIM 613881.

Submissions (2):

Labcorp Genetics (formerly Invitae), Labcorp
Classification: Likely benign for Dilated cardiomyopathy 1HH; Myofibrillar myopathy 6. Last evaluated: 2025-09-18. Review status: criteria provided, single submitter. Criteria: Invitae Variant Classification Sherloc (09022015). Collection method: clinical testing. Allele origin: germline.

GeneDx
Classification: Likely benign. Last evaluated: 2016-03-29. Review status: criteria provided, single submitter. Criteria: GeneDx Variant Classification (06012015). Collection method: clinical testing. Allele origin: germline. Affected: yes.
Comment: This variant is considered likely benign or benign based on one or more of the following criteria: it is a conservative change, it occurs at a poorly conserved position in the protein, it is predicted to be benign by multiple in silico algorithms, and/or has population frequency not consistent with disease.

NM_004281.4(BAG3):c.204C>G (p.Gly68=)

Gene: BAG3 (BAG cochaperone 3; plus strand). Cytogenetic location: 10q26.11.
Variant type: single nucleotide variant.
Coding change: c.204C>G on transcript NM_004281.4 (MANE Select); coding-DNA position 204, C replaced by G.
Protein change: p.Gly68=; no amino-acid change (glycine 68 retained).
Molecular consequence: synonymous variant.
Genome position (GRCh38, 1-based): chr10:119,669,874, C>G. VCF-style: chr10-119669874-C-G. GRCh37 (hg19) VCF-style: chr10-121429386-C-G.
Identifiers: ClinVar variation 385175 (VCV000385175.2), dbSNP rs1057522144, ClinGen allele CA16606635.